The following is an entry in ClinVar:

NM_001378328.1(CELSR1):c.4495G>A (p.Glu1499Lys)

Gene: CELSR1 (cadherin EGF LAG seven-pass G-type receptor 1; minus strand). Cytogenetic location: 22q13.31.
Variant type: single nucleotide variant.
Coding change: c.4495G>A on transcript NM_001378328.1 (MANE Select); coding-DNA position 4495, G replaced by A.
Protein change: p.Glu1499Lys; replaces glutamic acid 1499 with lysine.
Molecular consequence: missense variant.
Genome position (GRCh38, 1-based): chr22:46,436,201, C>T on the plus strand (G>A on the coding strand, the complement: CELSR1 is on the minus strand). VCF-style: chr22-46436201-C-T. GRCh37 (hg19) VCF-style: chr22-46832098-C-T.
Other names: c.4495G>A, p.Glu1499Lys (NM_014246.4); short protein forms E1499K.
Identifiers: ClinVar variation 2653332 (VCV002653332.24), dbSNP rs61737815, ClinGen allele CA10294636.

ClinVar aggregate classification (germline): Likely benign (1 of 4 stars; one submission).

Allele frequency attached by ClinVar (database versions not stated): gnomAD exomes 0.00014; ExAC 0.00045; 1000 Genomes Project 0.00120; 1000 Genomes Project 30x 0.00125; gnomAD 0.00126; ESP Exome Variant Server 0.00131; TOPMed 0.00138.
gnomAD v4.1: 390 of 1,612,294 alleles (0.024%); highest among the groups gnomAD compares: African/African-American, 0.45%; no homozygotes.

Submission:

CeGaT Center for Human Genetics Tuebingen
Classification: Likely benign. Last evaluated: 2023-01-01. Review status: criteria provided, single submitter. Criteria: CeGaT Center For Human Genetics Tuebingen Variant Classification Criteria Version 2. Collection method: clinical testing. Allele origin: germline. Affected: yes. Observed: 1 variant allele.
Comment: CELSR1: BS1